The following is an entry in ClinVar:

NM_024675.4(PALB2):c.1010T>G (p.Leu337Ter)

Gene: PALB2 (partner and localizer of BRCA2; minus strand). Cytogenetic location: 16p12.2.
Variant type: single nucleotide variant.
Coding change: c.1010T>G on transcript NM_024675.4 (MANE Select); coding-DNA position 1010, T replaced by G.
Protein change: p.Leu337Ter; replaces leucine 337 with a stop codon.
Molecular consequence: nonsense.
Genome position (GRCh38, 1-based): chr16:23,635,536, A>C on the plus strand (T>G on the coding strand, the complement: PALB2 is on the minus strand). VCF-style: chr16-23635536-A-C. GRCh37 (hg19) VCF-style: chr16-23646857-A-C.
Other names: short protein forms L337*.
Identifiers: ClinVar variation 822009 (VCV000822009.16), dbSNP rs45494092, ClinGen allele CA16622082.

ClinVar aggregate classification (germline): Pathogenic/Likely pathogenic. Review status: criteria provided, multiple submitters, no conflicts (2 of 4 stars). 5 submissions from 5 submitters: Pathogenic (4); Likely pathogenic (1). Last evaluated 2025-03-31.

Conditions:
Hereditary cancer-predisposing syndrome. Also called: Tumor predisposition; Hereditary Cancer Syndrome; Neoplastic Syndromes, Hereditary; Hereditary neoplastic syndrome. Identifiers: Orphanet 140162, MedGen C0027672, MeSH D009386, MONDO:0015356.
Familial cancer of breast. Also called: BREAST CANCER, FAMILIAL; Hereditary breast cancer; hereditary breast carcinoma. Identifiers: Orphanet 227535, MedGen C0346153, MONDO:0016419, OMIM 114480. Disease mechanism: loss of function.
Malignant tumor of breast. Also called: Malignant breast neoplasm; Cancer breast. Identifiers: MedGen C0006142, MONDO:0007254. Disease mechanism: loss of function.

gnomAD v4.1: 2 of 1,613,486 alleles (0.00012%); highest among the groups gnomAD compares: Non-Finnish European, 0.00017%; no homozygotes.

Submissions (5):

Quest Diagnostics Nichols Institute San Juan Capistrano
Classification: Likely pathogenic. Last evaluated: 2025-03-31. Review status: criteria provided, single submitter. Criteria: Quest Diagnostics criteria. Collection method: clinical testing. Allele origin: unknown.
Comment: The PALB2 c.1010T>G (p.Leu337*) variant is predicted to cause the premature termination of PALB2 protein synthesis. This variant has not been reported in individuals with PALB2-related conditions in the published literature. This variant has not been reported in large, multi-ethnic general populations (Genome Aggregation Database). Based on the available information, this variant is classified as likely pathogenic.

Myriad Genetics, Inc.
Classification: Pathogenic for Familial cancer of breast. Last evaluated: 2025-01-03. Review status: criteria provided, single submitter. Criteria: Myriad Autosomal Dominant, Autosomal Recessive and X-Linked Classification Criteria (2023). Collection method: clinical testing. Allele origin: unknown.
Comment: This variant is considered pathogenic. This variant creates a termination codon and is predicted to result in premature protein truncation.

Women's Health and Genetics/Laboratory Corporation of America, LabCorp
Classification: Pathogenic for Malignant tumor of breast. Last evaluated: 2024-05-24. Review status: criteria provided, single submitter. Criteria: LabCorp Variant Classification Summary - May 2015. Collection method: clinical testing. Allele origin: germline.
Comment: Variant summary: PALB2 c.1010T>G (p.Leu337X) results in a premature termination codon, predicted to cause a truncation of the encoded protein or absence of the protein due to nonsense mediated decay, which are commonly known mechanisms for disease. The variant was absent in 250924 control chromosomes. c.1010T>G has been reported in the literature in the heterozygous state in at least 1 individual affected with breast and ovarian cancer (example, Maxwell_2016). The following publication has been ascertained in the context of this evaluation (PMID: 27153395). ClinVar contains an entry for this variant (Variation ID: 822009). Based on the evidence outlined above, the variant was classified as pathogenic.

Labcorp Genetics (formerly Invitae), Labcorp
Classification: Pathogenic for Familial cancer of breast. Last evaluated: 2024-04-24. Review status: criteria provided, single submitter. Criteria: Invitae Variant Classification Sherloc (09022015). Collection method: clinical testing. Allele origin: germline.
Comment: This sequence change creates a premature translational stop signal (p.Leu337*) in the PALB2 gene. It is expected to result in an absent or disrupted protein product. Loss-of-function variants in PALB2 are known to be pathogenic (PMID: 17200668, 17200671, 17200672, 24136930, 25099575). This variant is not present in population databases (gnomAD no frequency). This variant has not been reported in the literature in individuals affected with PALB2-related conditions. ClinVar contains an entry for this variant (Variation ID: 822009). For these reasons, this variant has been classified as Pathogenic.

Ambry Genetics
Classification: Pathogenic for Hereditary cancer-predisposing syndrome. Last evaluated: 2019-04-05. Review status: criteria provided, single submitter. Criteria: Ambry Variant Classification Scheme 2023. Collection method: clinical testing. Allele origin: germline.
Comment: The p.L337* pathogenic mutation (also known as c.1010T>G), located in coding exon 4 of the PALB2 gene, results from a T to G substitution at nucleotide position 1010. This changes the amino acid from a leucine to a stop codon within coding exon 4. This variant has been identified in at least one patient with a personal and family history of breast and/or ovarian cancer (Maxwell KN et al. Am. J. Hum. Genet. 2016 May;98:801-817). In addition to the clinical data presented in the literature, this alteration is expected to result in loss of function by premature protein truncation or nonsense-mediated mRNA decay. As such, this alteration is interpreted as a disease-causing mutation.

Literature cited by the submitters: PubMed 27153395 (cited by Women's Health and Genetics/Laboratory Corporation of America, LabCorp and Ambry Genetics); PubMed 17200668 (cited by Labcorp Genetics (formerly Invitae), Labcorp); PubMed 17200671 (cited by Labcorp Genetics (formerly Invitae), Labcorp); PubMed 17200672 (cited by Labcorp Genetics (formerly Invitae), Labcorp); PubMed 24136930 (cited by Labcorp Genetics (formerly Invitae), Labcorp); PubMed 25099575 (cited by Labcorp Genetics (formerly Invitae), Labcorp).